The following is an entry in ClinVar:

ClinVar aggregate classification (germline): Benign. Review status: criteria provided, multiple submitters, no conflicts (2 of 4 stars). 4 submissions from 4 submitters: Benign (3). 1 of the submissions does not count toward it. Last evaluated 2026-02-01.

Conditions:
ARHGEF18-related disorder. Also called: ARHGEF18-related condition.

Allele frequency attached by ClinVar (database versions not stated): 1000 Genomes Project 0.00220; 1000 Genomes Project 30x 0.00265; TOPMed 0.00592; gnomAD 0.00657 and 0.00686; gnomAD exomes 0.00689; ESP Exome Variant Server 0.00838; ExAC 0.00851.
gnomAD v4.1: 14,601 of 1,613,076 alleles (0.91%); highest among the groups gnomAD compares: Non-Finnish European, 1.1%; 87 homozygotes.

Submissions (4):

Labcorp Genetics (formerly Invitae), Labcorp
Classification: Benign. Last evaluated: 2026-02-01. Review status: criteria provided, single submitter. Criteria: Invitae Variant Classification Sherloc (09022015). Collection method: clinical testing. Allele origin: germline.

CeGaT Center for Human Genetics Tuebingen
Classification: Benign. Last evaluated: 2025-04-01. Review status: criteria provided, single submitter. Criteria: CeGaT Center For Human Genetics Tuebingen Variant Classification Criteria Version 2. Collection method: clinical testing. Allele origin: germline. Affected: yes. Observed: 4 variant alleles.
Comment: ARHGEF18: BP4, BP7, BS1, BS2

Breakthrough Genomics
Classification: Benign. Review status: criteria provided, single submitter. Criteria: ACMG Guidelines, 2015. Collection method: not provided. Allele origin: germline. Inheritance: Autosomal recessive inheritance. Affected: yes.

PreventionGenetics, part of Exact Sciences
Classification: Benign for ARHGEF18-related condition. Last evaluated: 2024-02-11. Review status: no assertion criteria provided. Collection method: clinical testing. Allele origin: germline. Not counted in ClinVar's aggregate classification.
Comment: This variant is classified as benign based on ACMG/AMP sequence variant interpretation guidelines (Richards et al. 2015 PMID: 25741868, with internal and published modifications).

NM_001367823.1(ARHGEF18):c.3855G>A (p.Arg1285=)

Gene: ARHGEF18 (Rho/Rac guanine nucleotide exchange factor 18; plus strand). Cytogenetic location: 19p13.2.
Variant type: single nucleotide variant.
Coding change: c.3855G>A on transcript NM_001367823.1 (MANE Select); coding-DNA position 3855, G replaced by A.
Protein change: p.Arg1285=; no amino-acid change (arginine 1285 retained).
Molecular consequence: synonymous variant.
Genome position (GRCh38, 1-based): chr19:7,469,971, G>A. VCF-style: chr19-7469971-G-A. GRCh37 (hg19) VCF-style: chr19-7534857-G-A.
Other names: c.3129G>A, p.Arg1043= (NM_001130955.2); c.2817G>A, p.Arg939= (NM_001367824.1, NM_015318.4).
Identifiers: ClinVar variation 774729 (VCV000774729.35), dbSNP rs111706888, ClinGen allele CA9137266.
Genomic context (GRCh38, chr19:7,469,971, plus strand): 5'-CGACCTGAAGCAGCAGCTGCTGCTCAACAAGCTCATGGGGAAAGATGAGAGCACCTCACG[G>A]AACCGCCGCTCGCTGAGCCCTATCCTGCCCGGCAGACACAGTCCTGCGCCCCCACCAGGT-3'
Protein context (NP_001354752.1, residues 1275-1295): KLMGKDESTS[Arg1285=]NRRSLSPILP